The following is an entry in ClinVar:

ClinVar aggregate classification (germline): Uncertain significance (1 of 4 stars; one submission).

Conditions:
Dyskeratosis congenita, autosomal recessive 5 (DKCB5). Identifiers: MedGen C3554656, MONDO:0014076, OMIM 615190.
Pulmonary fibrosis and/or bone marrow failure, Telomere-related, 3. Also called: PULMONARY FIBROSIS AND/OR BONE MARROW FAILURE SYNDROME, TELOMERE-RELATED, 3. Identifiers: Orphanet 2032, MedGen C4225346, MONDO:0014613, OMIM 616373.

Allele frequency attached by ClinVar (database versions not stated): ExAC 0.00002; gnomAD exomes 0.00002; gnomAD 0.00003.
gnomAD v4.1: 30 of 1,613,528 alleles (0.0019%); highest among the groups gnomAD compares: South Asian, 0.031%; 1 homozygote.

Submission:

Labcorp Genetics (formerly Invitae), Labcorp
Classification: Uncertain significance for Dyskeratosis congenita, autosomal recessive 5; Pulmonary fibrosis and/or bone marrow failure, Telomere-related, 3. Last evaluated: 2024-03-04. Review status: criteria provided, single submitter. Criteria: Invitae Variant Classification Sherloc (09022015). Collection method: clinical testing. Allele origin: germline.
Comment: This sequence change replaces alanine, which is neutral and non-polar, with glycine, which is neutral and non-polar, at codon 58 of the RTEL1 protein (p.Ala58Gly). The frequency data for this variant in the population databases is considered unreliable, as metrics indicate poor data quality at this position in the gnomAD database. This missense change has been observed in individual(s) with severe chronic respiratory disease (PMID: 32662942). ClinVar contains an entry for this variant (Variation ID: 1881204). An algorithm developed to predict the effect of missense changes on protein structure and function (PolyPhen-2) suggests that this variant is likely to be disruptive. In summary, the available evidence is currently insufficient to determine the role of this variant in disease. Therefore, it has been classified as a Variant of Uncertain Significance.

Literature cited by the submitters: PubMed 32662942.

NM_001283009.2(RTEL1):c.173C>G (p.Ala58Gly)

Genes: RTEL1 (regulator of telomere elongation helicase 1; plus strand), RTEL1-TNFRSF6B (RTEL1-TNFRSF6B readthrough (NMD candidate); plus strand). Cytogenetic location: 20q13.33.
Variant type: single nucleotide variant.
Coding change: c.173C>G on transcript NM_001283009.2 (MANE Select); coding-DNA position 173, C replaced by G.
Protein change: p.Ala58Gly; replaces alanine 58 with glycine.
Molecular consequence: missense variant. On other transcripts: non-coding transcript variant (1), 5 prime UTR variant (1).
Genome position (GRCh38, 1-based): chr20:63,661,368, C>G. VCF-style: chr20-63661368-C-G. GRCh37 (hg19) VCF-style: chr20-62292721-C-G.
Other names: c.-497C>G (NM_001283010.1); c.173C>G, p.Ala58Gly (NM_016434.4, NM_032957.5); short protein forms A58G.
Identifiers: ClinVar variation 1881204 (VCV001881204.4), dbSNP rs773669162, ClinGen allele CA9964130.